The following is an entry in ClinVar:

NM_005208.5(CRYBA1):c.530_538del (p.Arg177_Tyr179del)

Gene: CRYBA1 (crystallin beta A1; plus strand). Cytogenetic location: 17q11.2.
Variant type: Deletion.
Coding change: c.530_538del on transcript NM_005208.5 (MANE Select); coding-DNA positions 530 to 538, 9 bases deleted (GTGGGTATC; older notation c.530_538delGTGGGTATC).
Protein change: p.Arg177_Tyr179del.
Molecular consequence: inframe deletion.
Genome position (GRCh38, 1-based): chr17:29,254,231-29,254,239, GTGGGTATC deleted; deleting any 9 consecutive bases within chr17:29,254,227-29,254,239 gives the same sequence; the c. name uses the placement nearest the transcript's 3' end. VCF-style (leftmost placement, unchanged base first): chr17-29254226-ATATCGTGGG-A. GRCh37 (hg19) VCF-style: chr17-27581244-ATATCGTGGG-A.
Other names: c.530_538delGTGGGTATC (NM_005208.4).
Identifiers: ClinVar variation 464096 (VCV000464096.1), dbSNP rs1555547008, ClinGen allele CA658658568.
Genomic context (GRCh38, chr17:29,254,226, plus strand): 5'-TAGTTTTAATAATGAAATGTACTTTGAATTTCCTAGCTGGGTTTGCTACCAATATCCTGG[ATATCGTGGG>A]TATCAGTATATCTTGGAATGTGACCATCATGGAGGAGACTATAAACATTGGAGAGAGTGG-3'

ClinVar aggregate classification (germline): Likely pathogenic (1 of 4 stars; one submission).

Conditions:
Cataract 10 multiple types. Also called: CATARACT 10, CONGENITAL ZONULAR, WITH SUTURAL OPACITIES. Identifiers: Orphanet 91492, MedGen C1833229, MONDO:0010948, OMIM 600881.

Submission:

Labcorp Genetics (formerly Invitae), Labcorp
Classification: Likely pathogenic for Cataract 10 multiple types. Last evaluated: 2017-04-19. Review status: criteria provided, single submitter. Criteria: Invitae Variant Classification Sherloc (09022015). Collection method: clinical testing. Allele origin: germline.
Comment: This sequence change deletes 9 nucleotides from exon 6 of the CRYBA1 mRNA (c.530_538del). This leads to the deletion of 3 amino acid residues in the CRYBA1 protein (p.Arg177_Tyr179del) but otherwise preserves the integrity of the reading frame. This variant is not present in population databases (ExAC no frequency) and has not been reported in the literature in individuals with a CRYBA1-related disease. However, family studies have indicated that this variant was not present in the parents of an individual with congenital cataracts, which suggests that it was de novo in that affected individual (Invitae). Experimental studies and prediction algorithms are not available for this variant, and the functional significance of the deleted amino acids is currently unknown. In summary, this variant is a rare in-frame deletion variant that has been observed to be de novo in an affected individual. This evidence indicates that the variant is pathogenic, but additional data is needed to prove that conclusively. Therefore, this variant has been classified as Likely Pathogenic.